The following is an entry in ClinVar:

ClinVar aggregate classification (germline): Pathogenic/Likely pathogenic. Review status: criteria provided, multiple submitters, no conflicts (2 of 4 stars). 2 submissions from 2 submitters: Pathogenic (1); Likely pathogenic (1). Last evaluated 2025-11-06.

Conditions:
Short-rib thoracic dysplasia 6 with or without polydactyly (SRTD6). Also called: SHORT-RIB THORACIC DYSPLASIA 6 WITH POLYDACTYLY; SHORT-RIB THORACIC DYSPLASIA 6 WITHOUT POLYDACTYLY; SHORT RIB-POLYDACTYLY SYNDROME, TYPE IIA; Majewski Syndrome; POLYDACTYLY WITH NEONATAL CHONDRODYSTROPHY, TYPE II. Identifiers: MedGen C0024507, MONDO:0009894, OMIM 263520.

Submissions (2):

Variantyx, Inc.
Classification: Likely pathogenic for Short-rib thoracic dysplasia 6 with or without polydactyly. Last evaluated: 2025-11-06. Review status: criteria provided, single submitter. Criteria: Variantyx Assertion Criteria 2022. Collection method: clinical testing. Allele origin: germline. Inheritance: Autosomal recessive inheritance. Affected: no.
Comment: This is a frameshift variant in the NEK1 gene (OMIM: 604588). Pathogenic variants in this gene have been associated with autosomal recessive short-rib thoracic dysplasia 6 with or without polydactyly. This variant introduces a premature termination codon in exon 26 out of 36 and is expected to result in loss of function, which is a known disease mechanism for NEK1 in this disorder (PMID: 22499340, 29068549) (PVS1). This variant is absent from control populations (PM2). Based on the current evidence, this variant is classified as likely pathogenic for autosomal recessive short-rib thoracic dysplasia 6 with or without polydactyly.

Labcorp Genetics (formerly Invitae), Labcorp
Classification: Pathogenic for Short-rib thoracic dysplasia 6 with or without polydactyly. Last evaluated: 2025-07-19. Review status: criteria provided, single submitter. Criteria: Invitae Variant Classification Sherloc (09022015). Collection method: clinical testing. Allele origin: germline.
Comment: This sequence change creates a premature translational stop signal (p.Ala722Leufs*17) in the NEK1 gene. It is expected to result in an absent or disrupted protein product. Loss-of-function variants in NEK1 are known to be pathogenic (PMID: 22499340, 29068549). This variant is not present in population databases (gnomAD no frequency). This variant has not been reported in the literature in individuals affected with NEK1-related conditions. For these reasons, this variant has been classified as Pathogenic.

Literature cited by the submitters: PubMed 22499340 (cited by Variantyx, Inc. and Labcorp Genetics (formerly Invitae), Labcorp); PubMed 29068549 (cited by Variantyx, Inc. and Labcorp Genetics (formerly Invitae), Labcorp).

NM_001199397.3(NEK1):c.2241del (p.Ala750fs)

Gene: NEK1 (NIMA related kinase 1; minus strand). Cytogenetic location: 4q33.
Variant type: Deletion.
Coding change: c.2241del on transcript NM_001199397.3 (MANE Select); coding-DNA position 2241, one base deleted (T; older notation c.2241delT).
Protein change: p.Ala750fs; shifts the reading frame from alanine 750.
Molecular consequence: frameshift variant. On other transcripts: non-coding transcript variant (1).
Genome position (GRCh38, 1-based): chr4:169,477,317, A deleted on the plus strand (T on the coding strand, the reverse complement: NEK1 is on the minus strand). VCF-style (leftmost placement, unchanged base first): chr4-169477316-GA-G. GRCh37 (hg19) VCF-style: chr4-170398467-GA-G.
Other names: c.2109del, p.Ala706fs (NM_001199398.3, NM_001440622.1); c.1950del, p.Ala653fs (NM_001199399.3); c.2025del, p.Ala678fs (NM_001199400.3, NM_001440623.1); c.2241del, p.Ala750fs (NM_001374418.1, NM_001440620.1); c.2157del, p.Ala722fs (NM_001374419.1, NM_001440621.1, NM_012224.4); c.2106del, p.Ala705fs (NM_001374420.1); c.1935del, p.Ala648fs (NM_001374421.1); c.1536del, p.Ala515fs (NM_001440624.1); and 1 more; short protein forms A722fs, A653fs, A705fs, A515fs, A706fs, A750fs, A471fs, A648fs.
Identifiers: ClinVar variation 4723206 (VCV004723206.1).